The following is an entry in ClinVar:

ClinVar aggregate classification (germline): Uncertain significance (1 of 4 stars; one submission).

gnomAD v4.1: 5 of 1,614,188 alleles (0.00031%); highest among the groups gnomAD compares: Non-Finnish European, 0.00042%; no homozygotes.

Submission:

Labcorp Genetics (formerly Invitae), Labcorp
Classification: Uncertain significance. Last evaluated: 2025-10-02. Review status: criteria provided, single submitter. Criteria: Invitae Variant Classification Sherloc (09022015). Collection method: clinical testing. Allele origin: germline.
Comment: This sequence change replaces glutamic acid, which is acidic and polar, with glycine, which is neutral and non-polar, at codon 288 of the SCN3A protein (p.Glu288Gly). This variant is present in population databases (rs746569526, gnomAD 0.0009%). This variant has not been reported in the literature in individuals affected with SCN3A-related conditions. Invitae Evidence Modeling of protein sequence and biophysical properties (such as structural, functional, and spatial information, amino acid conservation, physicochemical variation, residue mobility, and thermodynamic stability) indicates that this missense variant is not expected to disrupt SCN3A protein function with a negative predictive value of 95%. In summary, the available evidence is currently insufficient to determine the role of this variant in disease. Therefore, it has been classified as a Variant of Uncertain Significance.

NM_006922.4(SCN3A):c.863A>G (p.Glu288Gly)

Gene: SCN3A (sodium voltage-gated channel alpha subunit 3; minus strand). Cytogenetic location: 2q24.3.
Variant type: single nucleotide variant.
Coding change: c.863A>G on transcript NM_006922.4 (MANE Select); coding-DNA position 863, A replaced by G.
Protein change: p.Glu288Gly; replaces glutamic acid 288 with glycine.
Molecular consequence: missense variant.
Genome position (GRCh38, 1-based): chr2:165,162,660, T>C on the plus strand (A>G on the coding strand, the complement: SCN3A is on the minus strand). VCF-style: chr2-165162660-T-C. GRCh37 (hg19) VCF-style: chr2-166019170-T-C.
Other names: c.863A>G, p.Glu288Gly (NM_001081676.2, NM_001081677.2); short protein forms E288G.
Identifiers: ClinVar variation 4706024 (VCV004706024.1).